The following is an entry in ClinVar:

ClinVar aggregate classification (germline): Conflicting classifications of pathogenicity. Review status: criteria provided, conflicting classifications (1 of 4 stars). 6 submissions from 6 submitters: Uncertain significance (4); Likely benign (2). Last evaluated 2025-02-25.

Conditions:
Inborn genetic diseases. Identifiers: MedGen C0950123, MeSH D030342.
COG7 congenital disorder of glycosylation (CDG2E). Also called: CONGENITAL DISORDER OF GLYCOSYLATION, TYPE IIe; CDG IIe. Identifiers: Orphanet 79333, MedGen C2931010, MONDO:0012118, OMIM 608779.

Allele frequency attached by ClinVar (database versions not stated): gnomAD exomes 0.00003; ExAC 0.00005; ESP Exome Variant Server 0.00008; TOPMed 0.00009; gnomAD 0.00010 and 0.00012; 1000 Genomes Project 30x 0.00016; 1000 Genomes Project 0.00020.
gnomAD v4.1: 68 of 1,614,186 alleles (0.0042%); highest among the groups gnomAD compares: Admixed American, 0.042%; no homozygotes.

Submissions (6):

GeneDx
Classification: Uncertain significance. Last evaluated: 2025-02-25. Review status: criteria provided, single submitter. Criteria: GeneDx Variant Classification Process June 2021. Collection method: clinical testing. Allele origin: germline. Affected: yes.
Comment: Not observed at significant frequency in large population cohorts (gnomAD); In silico analysis indicates that this missense variant does not alter protein structure/function; Has not been previously published as pathogenic or benign to our knowledge

Blueprint Genetics
Classification: Likely benign. Last evaluated: 2024-11-25. Review status: criteria provided, single submitter. Criteria: ACMG Guidelines, 2015. Collection method: clinical testing. Allele origin: germline.

Labcorp Genetics (formerly Invitae), Labcorp
Classification: Uncertain significance for COG7 congenital disorder of glycosylation. Last evaluated: 2024-10-24. Review status: criteria provided, single submitter. Criteria: Invitae Variant Classification Sherloc (09022015). Collection method: clinical testing. Allele origin: germline.
Comment: This sequence change replaces alanine, which is neutral and non-polar, with valine, which is neutral and non-polar, at codon 696 of the COG7 protein (p.Ala696Val). This variant is present in population databases (rs376170815, gnomAD 0.008%). This variant has not been reported in the literature in individuals affected with COG7-related conditions. ClinVar contains an entry for this variant (Variation ID: 235600). Invitae Evidence Modeling of protein sequence and biophysical properties (such as structural, functional, and spatial information, amino acid conservation, physicochemical variation, residue mobility, and thermodynamic stability) indicates that this missense variant is not expected to disrupt COG7 protein function with a negative predictive value of 80%. In summary, the available evidence is currently insufficient to determine the role of this variant in disease. Therefore, it has been classified as a Variant of Uncertain Significance.

Ambry Genetics
Classification: Likely benign for Inborn genetic diseases. Last evaluated: 2021-08-12. Review status: criteria provided, single submitter. Criteria: Ambry Variant Classification Scheme 2023. Collection method: clinical testing. Allele origin: germline.

Revvity Omics, Revvity
Classification: Uncertain significance for COG7 congenital disorder of glycosylation. Last evaluated: 2020-03-19. Review status: criteria provided, single submitter. Criteria: ACMG Guidelines, 2015. Collection method: clinical testing. Allele origin: germline.

Center for Pediatric Genomic Medicine, Children's Mercy Hospital and Clinics
Classification: Uncertain significance. Last evaluated: 2015-06-02. Review status: criteria provided, single submitter. Criteria: ACMG Guidelines, 2015. Collection method: clinical testing. Allele origin: germline.
ClinVar note: Converted during submission from Uncertain Significance to Uncertain significance.

NM_153603.4(COG7):c.2087C>T (p.Ala696Val)

Gene: COG7 (component of oligomeric golgi complex 7; minus strand). Cytogenetic location: 16p12.2.
Variant type: single nucleotide variant.
Coding change: c.2087C>T on transcript NM_153603.4 (MANE Select); coding-DNA position 2087, C replaced by T.
Protein change: p.Ala696Val; replaces alanine 696 with valine.
Molecular consequence: missense variant.
Genome position (GRCh38, 1-based): chr16:23,392,439, G>A on the plus strand (C>T on the coding strand, the complement: COG7 is on the minus strand). VCF-style: chr16-23392439-G-A. GRCh37 (hg19) VCF-style: chr16-23403760-G-A.
Other names: c.2087C>T (NM_153603.3); short protein forms A696V.
Identifiers: ClinVar variation 235600 (VCV000235600.11), dbSNP rs376170815, ClinGen allele CA7960795.
Genomic context (GRCh38, chr16:23,392,439, plus strand): 5'-CCGATGTCAGTGGCCAGCTGCTTGGCAGAGTGTGGGCTCAGCTCAGGGATCTGTAGGATC[G>A]CATCACAGTAGGTCTGCATTGTGGCTCTGGCGATCGAGCCCAGCCAGTTGTCAGCCATGT-3'
Protein context (NP_705831.1, residues 686-706): ARATMQTYCD[Ala696Val]ILQIPELSPH